The following is an entry in ClinVar:

NM_001127649.3(PEX26):c.601A>G (p.Thr201Ala)

Gene: PEX26 (peroxisomal biogenesis factor 26; plus strand). Cytogenetic location: 22q11.21.
Variant type: single nucleotide variant.
Coding change: c.601A>G on transcript NM_001127649.3 (MANE Select); coding-DNA position 601, A replaced by G.
Protein change: p.Thr201Ala; replaces threonine 201 with alanine.
Molecular consequence: missense variant.
Genome position (GRCh38, 1-based): chr22:18,083,666, A>G. VCF-style: chr22-18083666-A-G. GRCh37 (hg19) VCF-style: chr22-18566432-A-G.
Other names: c.601A>G (NM_017929.5); c.601A>G, p.Thr201Ala (NM_001199319.2, NM_017929.6); short protein forms T201A.
Identifiers: ClinVar variation 1463871 (VCV001463871.4), dbSNP rs866813788, ClinGen allele CA321288730.

ClinVar aggregate classification (germline): Uncertain significance. Review status: criteria provided, multiple submitters, no conflicts (2 of 4 stars). 2 submissions from 2 submitters: Uncertain significance (2). Last evaluated 2026-05-21.

Conditions:
PEX26-related disorder. Also called: PEX26-related condition.
Peroxisome biogenesis disorder 7B (PBD7B). Identifiers: Orphanet 44, MedGen C3553951, MONDO:0013939, OMIM 614873.
Peroxisome biogenesis disorder 7A (Zellweger). Also called: Peroxisome biogenesis disorder 7A. Identifiers: Orphanet 912, MedGen C3888385, MONDO:0013938, OMIM 614872.

Submissions (2):

PreventionGenetics, part of Exact Sciences
Classification: Uncertain significance for PEX26-related condition. Last evaluated: 2026-05-21. Review status: criteria provided, single submitter. Criteria: ACMG Guidelines, 2015. Collection method: clinical testing. Allele origin: germline.
Comment: The PEX26 c.601A>G variant is predicted to result in the amino acid substitution p.Thr201Ala. To our knowledge, this variant has not been reported in the literature or in a large population database (gnomAD), indicating this variant is rare. At this time, the clinical significance of this variant is uncertain due to the absence of conclusive functional and genetic evidence.

Labcorp Genetics (formerly Invitae), Labcorp
Classification: Uncertain significance for Peroxisome biogenesis disorder 7A (Zellweger); Peroxisome biogenesis disorder 7B. Last evaluated: 2022-08-16. Review status: criteria provided, single submitter. Criteria: Invitae Variant Classification Sherloc (09022015). Collection method: clinical testing. Allele origin: germline.
Comment: This sequence change replaces threonine, which is neutral and polar, with alanine, which is neutral and non-polar, at codon 201 of the PEX26 protein (p.Thr201Ala). This variant is not present in population databases (gnomAD no frequency). This variant has not been reported in the literature in individuals affected with PEX26-related conditions. ClinVar contains an entry for this variant (Variation ID: 1463871). Algorithms developed to predict the effect of missense changes on protein structure and function output the following: SIFT: "Tolerated"; PolyPhen-2: "Benign"; Align-GVGD: "Class C0". The alanine amino acid residue is found in multiple mammalian species, which suggests that this missense change does not adversely affect protein function. In summary, the available evidence is currently insufficient to determine the role of this variant in disease. Therefore, it has been classified as a Variant of Uncertain Significance.